The following is an entry in ClinVar:

NM_000722.4(CACNA2D1):c.2682C>T (p.Pro894=)

Gene: CACNA2D1 (calcium voltage-gated channel auxiliary subunit alpha2delta 1; minus strand). Cytogenetic location: 7q21.11.
Variant type: single nucleotide variant.
Coding change: c.2682C>T on transcript NM_000722.4 (MANE Select); coding-DNA position 2682, C replaced by T.
Protein change: p.Pro894=; no amino-acid change (proline 894 retained).
Molecular consequence: synonymous variant.
Genome position (GRCh38, 1-based): chr7:81,964,252, G>A on the plus strand (C>T on the coding strand, the complement: CACNA2D1 is on the minus strand). VCF-style: chr7-81964252-G-A. GRCh37 (hg19) VCF-style: chr7-81593568-G-A.
Other names: c.2682C>T (LRG_437t1); c.2718C>T, p.Pro906= (NM_001366867.1).
Identifiers: ClinVar variation 512548 (VCV000512548.10), dbSNP rs147728344, ClinGen allele CA4317554.

ClinVar aggregate classification (germline): Likely benign. Review status: criteria provided, multiple submitters, no conflicts (2 of 4 stars). 3 submissions from 3 submitters: Likely benign (3). Last evaluated 2025-08-03.

Conditions:
Cardiovascular phenotype. Identifiers: MedGen CN230736.
Brugada syndrome. Also called: Sudden unexpected nocturnal death syndrome; Sudden unexplained nocturnal death syndrome; Sudden Unexplained Death Syndrome; Sudden Unexplained Nocturnal Death Syndrome (SUNDS). Identifiers: Orphanet 130, MedGen C1142166, MONDO:0015263.

Allele frequency attached by ClinVar (database versions not stated): gnomAD 0.00002; TOPMed 0.00004; gnomAD exomes 0.00005; ExAC 0.00006; ESP Exome Variant Server 0.00008.
gnomAD v4.1: 75 of 1,612,508 alleles (0.0047%); highest among the groups gnomAD compares: Non-Finnish European, 0.0054%; no homozygotes.

Submissions (3):

Labcorp Genetics (formerly Invitae), Labcorp
Classification: Likely benign for Brugada syndrome. Last evaluated: 2025-08-03. Review status: criteria provided, single submitter. Criteria: Invitae Variant Classification Sherloc (09022015). Collection method: clinical testing. Allele origin: germline.

Ambry Genetics
Classification: Likely benign for Cardiovascular phenotype. Last evaluated: 2018-12-10. Review status: criteria provided, single submitter. Criteria: Ambry Variant Classification Scheme 2023. Collection method: clinical testing. Allele origin: germline.

GeneDx
Classification: Likely benign. Last evaluated: 2017-10-17. Review status: criteria provided, single submitter. Criteria: GeneDx Variant Classification (06012015). Collection method: clinical testing. Allele origin: germline. Affected: yes.
Comment: This variant is considered likely benign or benign based on one or more of the following criteria: it is a conservative change, it occurs at a poorly conserved position in the protein, it is predicted to be benign by multiple in silico algorithms, and/or has population frequency not consistent with disease.